The following is an entry in ClinVar:

ClinVar aggregate classification (germline): Uncertain significance (1 of 4 stars; one submission).

Submission:

Labcorp Genetics (formerly Invitae), Labcorp
Classification: Uncertain significance. Last evaluated: 2021-03-25. Review status: criteria provided, single submitter. Criteria: Invitae Variant Classification Sherloc (09022015). Collection method: clinical testing. Allele origin: germline.
Comment: In summary, the available evidence is currently insufficient to determine the role of this variant in disease. Therefore, it has been classified as a Variant of Uncertain Significance. Algorithms developed to predict the effect of sequence changes on RNA splicing suggest that this variant may create or strengthen a splice site, but this prediction has not been confirmed by published transcriptional studies. Algorithms developed to predict the effect of missense changes on protein structure and function are either unavailable or do not agree on the potential impact of this missense change (SIFT: "Deleterious"; PolyPhen-2: "Benign"; Align-GVGD: "Class C0"). This variant has not been reported in the literature in individuals with TANC2-related conditions. This variant is not present in population databases (ExAC no frequency). This sequence change replaces asparagine with serine at codon 1787 of the TANC2 protein (p.Asn1787Ser). The asparagine residue is moderately conserved and there is a small physicochemical difference between asparagine and serine.

NM_001394998.1(TANC2):c.5612A>G (p.Asn1871Ser)

Gene: TANC2 (tetratricopeptide repeat, ankyrin repeat and coiled-coil containing 2; plus strand). Cytogenetic location: 17q23.3.
Variant type: single nucleotide variant.
Coding change: c.5612A>G on transcript NM_001394998.1 (MANE Select); coding-DNA position 5612, A replaced by G.
Protein change: p.Asn1871Ser; replaces asparagine 1871 with serine.
Molecular consequence: missense variant.
Genome position (GRCh38, 1-based): chr17:63,421,342, A>G. VCF-style: chr17-63421342-A-G. GRCh37 (hg19) VCF-style: chr17-61498703-A-G.
Other names: c.5360A>G, p.Asn1787Ser (NM_025185.4); short protein forms N1787S, N1871S.
Identifiers: ClinVar variation 1445631 (VCV001445631.6), dbSNP rs2147428883, ClinGen allele CA400546814.